The following is an entry in ClinVar:

NC_000001.11:g.153799671C>T

Gene: GATAD2B (GATA zinc finger domain containing 2B; minus strand). Cytogenetic location: 1q21.3.
Variant type: single nucleotide variant.
Genome position: GRCh38 VCF-style: chr1-153799671-C-T. GRCh37 (hg19) VCF-style: chr1-153772147-C-T.
Identifiers: ClinVar variation 2639357 (VCV002639357.24), dbSNP rs192301738, ClinGen allele CA30746344.

ClinVar aggregate classification (germline): Likely benign (1 of 4 stars; one submission).

Allele frequency attached by ClinVar (database versions not stated): 1000 Genomes Project 0.00060; 1000 Genomes Project 30x 0.00062; gnomAD 0.00104; TOPMed 0.00104; gnomAD exomes 0.00472.

Submission:

CeGaT Center for Human Genetics Tuebingen
Classification: Likely benign. Last evaluated: 2023-05-01. Review status: criteria provided, single submitter. Criteria: CeGaT Center For Human Genetics Tuebingen Variant Classification Criteria Version 2. Collection method: clinical testing. Allele origin: germline. Affected: yes. Observed: 2 variant alleles.
Comment: GATAD2B: BS1